The following is an entry in ClinVar:

ClinVar aggregate classification (germline): Uncertain significance. Review status: criteria provided, multiple submitters, no conflicts (2 of 4 stars). 2 submissions from 2 submitters: Uncertain significance (2). Last evaluated 2024-01-30.

Conditions:
Epileptic encephalopathy. Identifiers: MedGen C0543888, HP:0200134.

Allele frequency attached by ClinVar (database versions not stated): ExAC 0.00001; gnomAD exomes 0.00001; TOPMed 0.00001.
gnomAD v4.1: 22 of 1,611,116 alleles (0.0014%); highest among the groups gnomAD compares: Non-Finnish European, 0.0017%; no homozygotes.

Submissions (2):

Ambry Genetics
Classification: Uncertain significance. Last evaluated: 2024-01-30. Review status: criteria provided, single submitter. Criteria: Ambry Variant Classification Scheme 2023. Collection method: clinical testing. Allele origin: germline.

Labcorp Genetics (formerly Invitae), Labcorp
Classification: Uncertain significance for Epileptic encephalopathy. Last evaluated: 2020-03-31. Review status: criteria provided, single submitter. Criteria: Invitae Variant Classification Sherloc (09022015). Collection method: clinical testing. Allele origin: germline.
Comment: This sequence change replaces serine with proline at codon 209 of the RYR3 protein (p.Ser209Pro). The serine residue is highly conserved and there is a moderate physicochemical difference between serine and proline. This variant is present in population databases (rs746548925, ExAC 0.002%). In summary, the available evidence is currently insufficient to determine the role of this variant in disease. Therefore, it has been classified as a Variant of Uncertain Significance. Algorithms developed to predict the effect of missense changes on protein structure and function are either unavailable or do not agree on the potential impact of this missense change (SIFT: "Deleterious"; PolyPhen-2: "Probably Damaging"; Align-GVGD: "Class C0"). This variant has not been reported in the literature in individuals with RYR3-related conditions.

NM_001036.6(RYR3):c.625T>C (p.Ser209Pro)

Gene: RYR3 (ryanodine receptor 3; plus strand). Cytogenetic location: 15q14.
Variant type: single nucleotide variant.
Coding change: c.625T>C on transcript NM_001036.6 (MANE Select); coding-DNA position 625, T replaced by C.
Protein change: p.Ser209Pro; replaces serine 209 with proline.
Molecular consequence: missense variant.
Genome position (GRCh38, 1-based): chr15:33,540,869, T>C. VCF-style: chr15-33540869-T-C. GRCh37 (hg19) VCF-style: chr15-33833070-T-C.
Other names: c.625T>C (NM_001036.3); c.625T>C, p.Ser209Pro (NM_001243996.4); short protein forms S209P.
Identifiers: ClinVar variation 1054357 (VCV001054357.10), dbSNP rs746548925, ClinGen allele CA7457868.
Genomic context (GRCh38, chr15:33,540,869, plus strand): 5'-GGTAACATACAAGTGGATGCCTCCTTTATGCAAACACTCTGGAATGTACATCCTACGTGC[T>C]CAGGAAGTAGCATCGAAGAAGGTGTGCTTCTTTAAATGCATTTAGCCCTGAGCCTGCCTA-3'
Protein context (NP_001027.3, residues 199-219): QTLWNVHPTC[Ser209Pro]GSSIEEGYLL